The following is an entry in ClinVar:

NM_152296.5(ATP1A3):c.2983C>T (p.Arg995Cys)

Gene: ATP1A3 (ATPase Na+/K+ transporting subunit alpha 3; minus strand). Cytogenetic location: 19q13.2.
Variant type: single nucleotide variant.
Coding change: c.2983C>T on transcript NM_152296.5 (MANE Select); coding-DNA position 2983, C replaced by T.
Protein change: p.Arg995Cys; replaces arginine 995 with cysteine.
Molecular consequence: missense variant.
Genome position (GRCh38, 1-based): chr19:41,967,279, G>A on the plus strand (C>T on the coding strand, the complement: ATP1A3 is on the minus strand). VCF-style: chr19-41967279-G-A. GRCh37 (hg19) VCF-style: chr19-42471431-G-A.
Other names: c.3016C>T, p.Arg1006Cys (NM_001256213.2); c.3022C>T, p.Arg1008Cys (NM_001256214.2); short protein forms R1006C, R1008C, R995C.
Identifiers: ClinVar variation 2574235 (VCV002574235.4), dbSNP rs2514023617, ClinGen allele CA406035034.

ClinVar aggregate classification (germline): Uncertain significance. Review status: criteria provided, multiple submitters, no conflicts (2 of 4 stars). 2 submissions from 2 submitters: Uncertain significance (2). Last evaluated 2023-10-28.

Conditions:
Dystonia 12 (DYT12). Also called: DYT-ATP1A3; Rapid-Onset Dystonia-Parkinsonism (RDP). Identifiers: Orphanet 71517, MedGen C1868681, MONDO:0007496, OMIM 128235.

Allele frequency attached by ClinVar (database versions not stated): gnomAD exomes below 0.00001.
gnomAD v4.1: 1 of 1,613,812 alleles (0.000062%); highest among the groups gnomAD compares: East Asian, 0.0022%; no homozygotes.

Submissions (2):

Labcorp Genetics (formerly Invitae), Labcorp
Classification: Uncertain significance for Dystonia 12. Last evaluated: 2023-10-28. Review status: criteria provided, single submitter. Criteria: Invitae Variant Classification Sherloc (09022015). Collection method: clinical testing. Allele origin: germline.
Comment: This sequence change replaces arginine, which is basic and polar, with cysteine, which is neutral and slightly polar, at codon 995 of the ATP1A3 protein (p.Arg995Cys). This variant is not present in population databases (gnomAD no frequency). This variant has not been reported in the literature in individuals affected with ATP1A3-related conditions. ClinVar contains an entry for this variant (Variation ID: 2574235). Advanced modeling of protein sequence and biophysical properties (such as structural, functional, and spatial information, amino acid conservation, physicochemical variation, residue mobility, and thermodynamic stability) performed at Invitae indicates that this missense variant is expected to disrupt ATP1A3 protein function with a positive predictive value of 95%. In summary, the available evidence is currently insufficient to determine the role of this variant in disease. Therefore, it has been classified as a Variant of Uncertain Significance.

GeneDx
Classification: Uncertain significance. Last evaluated: 2023-07-25. Review status: criteria provided, single submitter. Criteria: GeneDx Variant Classification Process June 2021. Collection method: clinical testing. Allele origin: germline. Affected: yes.
Comment: Not observed in large population cohorts (gnomAD); In silico analysis supports that this missense variant has a deleterious effect on protein structure/function; Has not been previously published as pathogenic or benign to our knowledge